The following is an entry in ClinVar:

NM_000152.5(GAA):c.1855A>C (p.Ser619Arg)

Gene: GAA (alpha glucosidase; plus strand). Cytogenetic location: 17q25.3.
Variant type: single nucleotide variant.
Coding change: c.1855A>C on transcript NM_000152.5 (MANE Select); coding-DNA position 1855, A replaced by C.
Protein change: p.Ser619Arg; replaces serine 619 with arginine.
Molecular consequence: missense variant.
Genome position (GRCh38, 1-based): chr17:80,112,678, A>C. VCF-style: chr17-80112678-A-C. GRCh37 (hg19) VCF-style: chr17-78086477-A-C.
Other names: c.1855A>C, p.Ser619Arg (NM_001079803.3, NM_001079804.3, NM_001406741.1 and 1 more transcripts); short protein forms S619R.
Identifiers: ClinVar variation 2702493 (VCV002702493.4), dbSNP rs2510381595, ClinGen allele CA401369651.
Genomic context (GRCh38, chr17:80,112,678, plus strand): 5'-TCCCGCTCGACCTTTGCTGGCCACGGCCGATACGCCGGCCACTGGACGGGGGACGTGTGG[A>C]GCTCCTGGGAGCAGCTCGCCTCCTCCGTGCCAGGTGAGCTCCTACCAGGAGGGGCTGCTC-3'
Protein context (NP_000143.2, residues 609-629): YAGHWTGDVW[Ser619Arg]SWEQLASSVP

ClinVar aggregate classification (germline): Pathogenic/Likely pathogenic. Review status: criteria provided, multiple submitters, no conflicts (2 of 4 stars). 2 submissions from 2 submitters: Pathogenic (1); Likely pathogenic (1). Last evaluated 2026-07-01.

Conditions:
Glycogen storage disease, type II (IOPD). Also called: CARDIOMEGALIA GLYCOGENICA DIFFUSA; GLYCOGENOSIS, GENERALIZED, CARDIAC FORM; GSD II; Glycogen storage disease type 2; Acid maltase deficiency disease; Aglucosidase alfa. Identifiers: Orphanet 365, MedGen C0017921, MONDO:0009290, OMIM 232300.

Submissions (2):

Genomenon, Inc
Classification: Likely pathogenic for Glycogen storage disease, type II. Last evaluated: 2026-07-01. Review status: criteria provided, single submitter. Criteria: Genomenon Sequence Variant Interpretation Standards - Updated. Collection method: curation. Allele origin: germline. Affected: no.
Comment: GAA p.Ser619Arg (c.1855A>C) is a missense variant that changes the amino acid at codon 619 from Serine to Arginine. This variant has been reported in the published literature (PMID:40225932). It is absent or not present at a significant frequency in gnomAD. In silico models predict that this variant is possibly or probably damaging. Another cDNA change that causes the same protein consequence has been determined to be pathogenic or likely pathogenic. In conclusion, we classify GAA p.Ser619Arg (c.1855A>C) as a likely pathogenic variant.

Labcorp Genetics (formerly Invitae), Labcorp
Classification: Pathogenic for Glycogen storage disease, type II. Last evaluated: 2025-07-05. Review status: criteria provided, single submitter. Criteria: Invitae Variant Classification Sherloc (09022015). Collection method: clinical testing. Allele origin: germline.
Comment: This sequence change replaces serine, which is neutral and polar, with arginine, which is basic and polar, at codon 619 of the GAA protein (p.Ser619Arg). This variant is not present in population databases (gnomAD no frequency). This missense change has been observed in individual(s) with glycogen storage disease type II (PMID: 14643388). ClinVar contains an entry for this variant (Variation ID: 2702493). Invitae Evidence Modeling of protein sequence and biophysical properties (such as structural, functional, and spatial information, amino acid conservation, physicochemical variation, residue mobility, and thermodynamic stability) indicates that this missense variant is expected to disrupt GAA protein function with a positive predictive value of 95%. This variant disrupts the p.Ser619 amino acid residue in GAA. Other variant(s) that disrupt this residue have been determined to be pathogenic (PMID: 16838077, 22990675, 24158270, 25998610). This suggests that this residue is clinically significant, and that variants that disrupt this residue are likely to be disease-causing. For these reasons, this variant has been classified as Pathogenic.

Literature cited by the submitters: PubMed 40225932 (cited by Genomenon, Inc); PubMed 14643388 (cited by Labcorp Genetics (formerly Invitae), Labcorp); PubMed 16838077 (cited by Labcorp Genetics (formerly Invitae), Labcorp); PubMed 22990675 (cited by Labcorp Genetics (formerly Invitae), Labcorp); PubMed 24158270 (cited by Labcorp Genetics (formerly Invitae), Labcorp); PubMed 25998610 (cited by Labcorp Genetics (formerly Invitae), Labcorp).